The following is an entry in ClinVar:

ClinVar aggregate classification (germline): Uncertain significance. Review status: criteria provided, single submitter (1 of 4 stars). 2 submissions from 2 submitters: Uncertain significance (1). 1 of the submissions does not count toward it. Last evaluated 2025-11-01.

Conditions:
X-linked Emery-Dreifuss muscular dystrophy. Also called: Muscular dystrophy, tardive Emery-Dreifuss type, with contractures. Identifiers: Orphanet 261, Orphanet 98863, MedGen C0751337, MONDO:0010680.
Emery-Dreifuss muscular dystrophy (EDMD). Also called: Scapuloperoneal syndrome, X-linked (formerly); Humeroperoneal neuromuscular disease, (formerly). Identifiers: Orphanet 261, MedGen C0410189, MONDO:0016830.

Allele frequency attached by ClinVar (database versions not stated): ExAC 0.00001; TOPMed 0.00001.

Submissions (2):

Labcorp Genetics (formerly Invitae), Labcorp
Classification: Uncertain significance for X-linked Emery-Dreifuss muscular dystrophy. Last evaluated: 2025-11-01. Review status: criteria provided, single submitter. Criteria: Invitae Variant Classification Sherloc (09022015). Collection method: clinical testing. Allele origin: germline.
Comment: This sequence change replaces valine, which is neutral and non-polar, with glycine, which is neutral and non-polar, at codon 117 of the EMD protein (p.Val117Gly). This variant is present in population databases (rs781924971, gnomAD 0.001%). This variant has not been reported in the literature in individuals affected with EMD-related conditions. ClinVar contains an entry for this variant (Variation ID: 1003106). Invitae Evidence Modeling of protein sequence and biophysical properties (such as structural, functional, and spatial information, amino acid conservation, physicochemical variation, residue mobility, and thermodynamic stability) indicates that this missense variant is not expected to disrupt EMD protein function with a negative predictive value of 80%. In summary, the available evidence is currently insufficient to determine the role of this variant in disease. Therefore, it has been classified as a Variant of Uncertain Significance.

Natera, Inc.
Classification: Uncertain significance for Emery-Dreifuss muscular dystrophy. Last evaluated: 2020-02-21. Review status: no assertion criteria provided. Collection method: clinical testing. Allele origin: germline. Not counted in ClinVar's aggregate classification.

NM_000117.3(EMD):c.350T>G (p.Val117Gly)

Gene: EMD (emerin; plus strand). Cytogenetic location: Xq28.
Variant type: single nucleotide variant.
Coding change: c.350T>G on transcript NM_000117.3 (MANE Select); coding-DNA position 350, T replaced by G.
Protein change: p.Val117Gly; replaces valine 117 with glycine.
Molecular consequence: missense variant.
Genome position (GRCh38, 1-based): chrX:154,380,318, T>G. VCF-style: chrX-154380318-T-G. GRCh37 (hg19) VCF-style: chrX-153608678-T-G.
Other names: short protein forms V117G.
Identifiers: ClinVar variation 1003106 (VCV001003106.9), dbSNP rs781924971, ClinGen allele CA10561577.
Genomic context (GRCh38, chrX:154,380,318, plus strand): 5'-AGAGCTACTTCACCACCAGGACTTATGGGGAGCCCGAGTCTGCCGGCCCGTCCAGGGCTG[T>G]CCGCCAGTCAGTGACTTCATTCCCAGATGCTGACGCTTTCCATCACCAGGTGAGCTGGCT-3'
Protein context (NP_000108.1, residues 107-127): EPESAGPSRA[Val117Gly]RQSVTSFPDA